The following is an entry in ClinVar:

ClinVar aggregate classification (germline): Uncertain significance. Review status: criteria provided, multiple submitters, no conflicts (2 of 4 stars). 2 submissions from 2 submitters: Uncertain significance (2). Last evaluated 2025-07-02.

Conditions:
Hereditary cancer-predisposing syndrome. Also called: Hereditary neoplastic syndrome; Hereditary Cancer Syndrome; Neoplastic Syndromes, Hereditary; Tumor predisposition. Identifiers: Orphanet 140162, MedGen C0027672, MeSH D009386, MONDO:0015356.
Familial cancer of breast. Also called: Hereditary breast cancer; BREAST CANCER, FAMILIAL; hereditary breast carcinoma. Identifiers: Orphanet 227535, MedGen C0346153, MONDO:0016419, OMIM 114480. Disease mechanism: loss of function.

Submissions (2):

Labcorp Genetics (formerly Invitae), Labcorp
Classification: Uncertain significance for Familial cancer of breast. Last evaluated: 2025-07-02. Review status: criteria provided, single submitter. Criteria: Invitae Variant Classification Sherloc (09022015). Collection method: clinical testing. Allele origin: germline.
Comment: This sequence change replaces glutamine, which is neutral and polar, with lysine, which is basic and polar, at codon 6 of the BARD1 protein (p.Gln6Lys). This variant is not present in population databases (gnomAD no frequency). This variant has not been reported in the literature in individuals affected with BARD1-related conditions. ClinVar contains an entry for this variant (Variation ID: 229846). An algorithm developed to predict the effect of missense changes on protein structure and function (PolyPhen-2) suggests that this variant is likely to be tolerated. In summary, the available evidence is currently insufficient to determine the role of this variant in disease. Therefore, it has been classified as a Variant of Uncertain Significance.

Ambry Genetics
Classification: Uncertain significance for Hereditary cancer-predisposing syndrome. Last evaluated: 2015-01-02. Review status: criteria provided, single submitter. Criteria: Ambry Variant Classification Scheme 2023. Collection method: clinical testing. Allele origin: germline.
Comment: The p.Q6K variant (also known as c.16C>A), located in coding exon 1 of the BARD1 gene, results from a C to A substitution at nucleotide position 16. The glutamine at codon 6 is replaced by lysine, an amino acid with similar properties. This variant was not reported in population based cohorts in the following databases: Database of Single Nucleotide Polymorphisms (dbSNP), NHLBI Exome Sequencing Project (ESP), and 1000 Genomes Project. In the ESP, this variant was not observed in 5790 samples (11580 alleles) with coverage at this position. To date, this alteration has been detected with an allele frequency of approximately 0.003% (greater than 40000 alleles tested) in our clinical cohort. This amino acid position is conserved on limited sequence alignment. In addition, the in silico prediction for this alteration is inconclusive. Since supporting evidence is limited at this time, the clinical significance of p.Q6K remains unclear.

NM_000465.4(BARD1):c.16C>A (p.Gln6Lys)

Gene: BARD1 (BRCA1 associated RING domain 1; minus strand). Cytogenetic location: 2q35.
Variant type: single nucleotide variant.
Coding change: c.16C>A on transcript NM_000465.4 (MANE Select); coding-DNA position 16, C replaced by A.
Protein change: p.Gln6Lys; replaces glutamine 6 with lysine.
Molecular consequence: missense variant. On other transcripts: non-coding transcript variant (3).
Genome position (GRCh38, 1-based): chr2:214,809,554, G>T on the plus strand (C>A on the coding strand, the complement: BARD1 is on the minus strand). VCF-style: chr2-214809554-G-T. GRCh37 (hg19) VCF-style: chr2-215674278-G-T.
Other names: c.16C>A, p.Gln6Lys (NM_001282543.2, NM_001282545.2, NM_001282548.2 and 1 more transcripts); short protein forms Q6K.
Identifiers: ClinVar variation 229846 (VCV000229846.8), dbSNP rs876658234, ClinGen allele CA10577873.